The following is an entry in ClinVar:

NM_144672.4(OTOA):c.244G>A (p.Ala82Thr)

Gene: OTOA (otoancorin). Cytogenetic location: 16p12.2.
Variant type: single nucleotide variant.
Coding change: c.244G>A on transcript NM_144672.4 (MANE Select); coding-DNA position 244, G replaced by A.
Protein change: p.Ala82Thr; replaces alanine 82 with threonine.
Molecular consequence: missense variant.
Genome position (GRCh38, 1-based): chr16:21,681,802, G>A. VCF-style: chr16-21681802-G-A. GRCh37 (hg19) VCF-style: chr16-21693123-G-A.
Other names: c.244G>A (NM_144672.3); short protein forms A82T.
Identifiers: ClinVar variation 1050177 (VCV001050177.2), dbSNP rs200249536, ClinGen allele CA7952232.

ClinVar aggregate classification (germline): Uncertain significance. Review status: criteria provided, single submitter (1 of 4 stars). 2 submissions from 2 submitters: Uncertain significance (1). 1 of the submissions does not count toward it. Last evaluated 2025-12-11.

Conditions:
Inborn genetic diseases. Identifiers: MedGen C0950123, MeSH D030342.

Allele frequency attached by ClinVar (database versions not stated): TOPMed 0.00002; gnomAD exomes 0.00004 and 0.00002; gnomAD 0.00002; ExAC 0.00003.
gnomAD v4.1: 33 of 1,613,890 alleles (0.002%); highest among the groups gnomAD compares: Non-Finnish European, 0.00034%; no homozygotes.

Submissions (2):

Ambry Genetics
Classification: Uncertain significance for Inborn genetic diseases. Last evaluated: 2025-12-11. Review status: criteria provided, single submitter. Criteria: Ambry Variant Classification Scheme 2023. Collection method: clinical testing. Allele origin: germline.

Department of Pathology and Laboratory Medicine, Sinai Health System
Classification: Uncertain significance. Review status: no assertion criteria provided. Collection method: clinical testing. Allele origin: unknown. Affected: yes. Study: The Canadian Open Genetics Repository (COGR). Not counted in ClinVar's aggregate classification.
Comment: The OTOA p.Ala82Thr variant was not identified in the literature nor was it identified in ClinVar or LOVD 3.0. The variant was identified in dbSNP (ID: rs200249536) and in control databases in 11 of 251458 chromosomes at a frequency of 0.00004374 (Genome Aggregation Database March 6, 2019, v2.1.1). The variant was observed in the following populations: Ashkenazi Jewish in 10 of 10078 chromosomes (freq: 0.000992) and European (non-Finnish) in 1 of 113742 chromosomes (freq: 0.000009), but was not observed in the African, Latino, East Asian, European (Finnish), Other, or South Asian populations. The p.Ala82 residue is not conserved in mammals and computational analyses (PolyPhen-2, SIFT, AlignGVGD, BLOSUM, MutationTaster) do not suggest a high likelihood of impact to the protein; however, this information is not predictive enough to rule out pathogenicity. The variant occurs outside of the splicing consensus sequence and in silico or computational prediction software programs (SpliceSiteFinder, MaxEntScan, NNSPLICE, GeneSplicer) do not predict a difference in splicing. In summary, based on the above information the clinical significance of this variant cannot be determined with certainty at this time. This variant is classified as a variant of uncertain significance.